The following is an entry in ClinVar:

NM_003748.4(ALDH4A1):c.1236C>G (p.Ser412Arg)

Gene: ALDH4A1 (aldehyde dehydrogenase 4 family member A1; minus strand). Cytogenetic location: 1p36.13.
Variant type: single nucleotide variant.
Coding change: c.1236C>G on transcript NM_003748.4 (MANE Select); coding-DNA position 1236, C replaced by G.
Protein change: p.Ser412Arg; replaces serine 412 with arginine.
Molecular consequence: missense variant. On other transcripts: intron variant (1).
Genome position (GRCh38, 1-based): chr1:18,876,417, G>C on the plus strand (C>G on the coding strand, the complement: ALDH4A1 is on the minus strand). VCF-style: chr1-18876417-G-C. GRCh37 (hg19) VCF-style: chr1-19202911-G-C.
Other names: c.1056C>G, p.Ser352Arg (NM_001161504.2); c.1236C>G, p.Ser412Arg (NM_170726.3); c.1185+791C>G (NM_001319218.2); short protein forms S352R, S412R.
Identifiers: ClinVar variation 648386 (VCV000648386.8), dbSNP rs201762741, ClinGen allele CA646988.

ClinVar aggregate classification (germline): Uncertain significance. Review status: criteria provided, multiple submitters, no conflicts (2 of 4 stars). 2 submissions from 2 submitters: Uncertain significance (2). Last evaluated 2022-04-25.

Conditions:
Hyperprolinemia type 2 (HYRPRO2). Also called: Deficiency of pyrroline-5-carboxylate reductase; Delta-1-pyrroline-5-carboxylate dehydrogenase deficiency; 1-PYRROLINE-5-CARBOXYLATE DEHYDROGENASE DEFICIENCY. Identifiers: Orphanet 79101, MedGen C2931835, MONDO:0009401, OMIM 239510.

Allele frequency attached by ClinVar (database versions not stated): TOPMed 0.00002; 1000 Genomes Project 30x 0.00031; 1000 Genomes Project 0.00040.
gnomAD v4.1: 72 of 1,612,348 alleles (0.0045%); highest among the groups gnomAD compares: Admixed American, 0.025%; no homozygotes.

Submissions (2):

Labcorp Genetics (formerly Invitae), Labcorp
Classification: Uncertain significance for Hyperprolinemia type 2. Last evaluated: 2022-04-25. Review status: criteria provided, single submitter. Criteria: Invitae Variant Classification Sherloc (09022015). Collection method: clinical testing. Allele origin: germline.
Comment: This sequence change replaces serine, which is neutral and polar, with arginine, which is basic and polar, at codon 412 of the ALDH4A1 protein (p.Ser412Arg). This variant is present in population databases (rs201762741, gnomAD 0.006%). This variant has not been reported in the literature in individuals affected with ALDH4A1-related conditions. ClinVar contains an entry for this variant (Variation ID: 648386). Algorithms developed to predict the effect of missense changes on protein structure and function are either unavailable or do not agree on the potential impact of this missense change (SIFT: "Deleterious"; PolyPhen-2: "Benign"; Align-GVGD: "Class C15"). Algorithms developed to predict the effect of sequence changes on RNA splicing suggest that this variant may create or strengthen a splice site. In summary, the available evidence is currently insufficient to determine the role of this variant in disease. Therefore, it has been classified as a Variant of Uncertain Significance.

GeneDx
Classification: Uncertain significance. Last evaluated: 2021-12-08. Review status: criteria provided, single submitter. Criteria: GeneDx Variant Classification Process June 2021. Collection method: clinical testing. Allele origin: germline. Affected: yes.
Comment: In silico analysis supports that this missense variant does not alter protein structure/function; Has not been previously published as pathogenic or benign to our knowledge